The following is an entry in ClinVar:

NM_020919.4(ALS2):c.1816-8C>T

Gene: ALS2 (alsin Rho guanine nucleotide exchange factor ALS2; minus strand). Cytogenetic location: 2q33.1.
Variant type: single nucleotide variant.
Coding change: c.1816-8C>T on transcript NM_020919.4 (MANE Select); 8 bases into the intron before coding-DNA position 1816, C replaced by T.
Molecular consequence: intron variant.
Genome position (GRCh38, 1-based): chr2:201,746,756, G>A on the plus strand (C>T on the coding strand, the complement: ALS2 is on the minus strand). VCF-style: chr2-201746756-G-A. GRCh37 (hg19) VCF-style: chr2-202611479-G-A.
Other names: p.?.
Identifiers: ClinVar variation 261366 (VCV000261366.67), dbSNP rs185911369, ClinGen allele CA2058339.

ClinVar aggregate classification (germline): Conflicting classifications of pathogenicity. Review status: criteria provided, conflicting classifications (1 of 4 stars). 13 submissions from 12 submitters: Uncertain significance (2); Benign (2); Likely benign (6). 3 of the submissions do not count toward it. Last evaluated 2026-09-01.

Conditions:
ALS2-related disorder. Also called: ALS2-Related Spectrum Disorders; ALS2-related condition; ALS2-related disorders. Identifiers: MedGen CN169291.
Hereditary spastic paraplegia. Also called: Familial spastic paraparesis. Identifiers: Orphanet 685, MedGen C0037773, MONDO:0019064. Disease mechanism: loss of function.
Infantile-onset ascending hereditary spastic paralysis (IAHSP). Also called: Infantile-Onset Ascending Hereditary Spastic Paralysis (IAHSP); Autosomal Recessive Juvenile Amyotrophic Lateral Sclerosis. Identifiers: Orphanet 293168, MedGen C2931441, MONDO:0011797, OMIM 607225. Disease mechanism: loss of function.
Amyotrophic lateral sclerosis type 2, juvenile. Also called: ALS, JUVENILE; Amyotrophic lateral sclerosis type 2. Identifiers: Orphanet 300605, MedGen C1859807, MONDO:0008780, OMIM 205100.

Allele frequency attached by ClinVar (database versions not stated): 1000 Genomes Project 0.00060; 1000 Genomes Project 30x 0.00062; gnomAD 0.00157 and 0.00165; gnomAD exomes 0.00161; ExAC 0.00165; TOPMed 0.00165; ESP Exome Variant Server 0.00273.
gnomAD v4.1: 4,147 of 1,613,968 alleles (0.26%); highest among the groups gnomAD compares: Non-Finnish European, 0.31%; 7 homozygotes.

Submissions (13):

CeGaT Center for Human Genetics Tuebingen
Classification: Likely benign. Last evaluated: 2026-09-01. Review status: criteria provided, single submitter. Criteria: CeGaT Center For Human Genetics Tuebingen Variant Classification Criteria Version 2. Collection method: clinical testing. Allele origin: germline. Affected: yes. Observed: 13 variant alleles.
Comment: ALS2: BP4, BS2

Labcorp Genetics (formerly Invitae), Labcorp
Classification: Benign for Infantile-onset ascending hereditary spastic paralysis. Last evaluated: 2026-01-05. Review status: criteria provided, single submitter. Criteria: Invitae Variant Classification Sherloc (09022015). Collection method: clinical testing. Allele origin: germline.

Blueprint Genetics
Classification: Likely benign. Last evaluated: 2024-10-31. Review status: criteria provided, single submitter. Criteria: ACMG Guidelines, 2015. Collection method: clinical testing. Allele origin: germline.

Mayo Clinic Laboratories, Mayo Clinic
Classification: Likely benign. Last evaluated: 2023-09-20. Review status: criteria provided, single submitter. Criteria: ACMG Guidelines, 2015. Collection method: clinical testing. Allele origin: germline. Observed: 5 variant alleles.
Comment: BS1, BP4, BP7

Genome Diagnostics Laboratory, The Hospital for Sick Children
Classification: Likely benign for Hereditary spastic paraplegia. Last evaluated: 2021-03-31. Review status: criteria provided, single submitter. Criteria: ACMG Guidelines, 2015. Collection method: clinical testing. Allele origin: germline. Affected: yes.

Athena Diagnostics
Classification: Benign. Last evaluated: 2020-01-15. Review status: criteria provided, single submitter. Criteria: Athena Diagnostics Criteria. Collection method: clinical testing. Allele origin: unknown.

GeneDx
Classification: Likely benign. Last evaluated: 2019-11-06. Review status: criteria provided, single submitter. Criteria: GeneDx Variant Classification Process June 2021. Collection method: clinical testing. Allele origin: germline. Affected: yes.
Comment: This variant is associated with the following publications: (PMID: 27790088)

Illumina Laboratory Services, Illumina
Classification: Uncertain significance for Amyotrophic lateral sclerosis type 2. Last evaluated: 2018-01-12. Review status: criteria provided, single submitter. Criteria: ICSL Variant Classification Criteria 13 December 2019. Collection method: clinical testing. Allele origin: germline.

Illumina Laboratory Services, Illumina
Classification: Uncertain significance for ALS2-Related Disorders. Last evaluated: 2018-01-12. Review status: criteria provided, single submitter. Criteria: ICSL Variant Classification Criteria 13 December 2019. Collection method: clinical testing. Allele origin: germline.

PreventionGenetics, part of Exact Sciences
Classification: Likely benign. Review status: criteria provided, single submitter. Criteria: ACMG Guidelines, 2015. Collection method: clinical testing. Allele origin: germline.

Clinical Genetics DNA and cytogenetics Diagnostics Lab, Erasmus MC, Erasmus Medical Center
Classification: Likely benign. Review status: no assertion criteria provided. Collection method: clinical testing. Allele origin: germline. Affected: yes. Study: VKGL Data-share Consensus. Not counted in ClinVar's aggregate classification.

Genome Diagnostics Laboratory, Amsterdam University Medical Center
Classification: Likely benign. Review status: no assertion criteria provided. Collection method: clinical testing. Allele origin: germline. Affected: yes. Study: VKGL Data-share Consensus. Not counted in ClinVar's aggregate classification.

Genome Diagnostics Laboratory, University Medical Center Utrecht
Classification: Benign. Review status: no assertion criteria provided. Collection method: clinical testing. Allele origin: germline. Affected: yes. Study: VKGL Data-share Consensus. Not counted in ClinVar's aggregate classification.

Literature cited by the submitters: PubMed 27790088 (cited by Athena Diagnostics).